The following is an entry in ClinVar:

ClinVar aggregate classification (germline): Uncertain significance (0 of 4 stars; one submission).

Conditions:
PLXNA3-related disorder. Also called: PLXNA3-related condition.

gnomAD v4.1: 2 of 1,209,743 alleles (0.00017%); highest among the groups gnomAD compares: African/African-American, 0.0035%; no homozygotes.

Submission:

PreventionGenetics, part of Exact Sciences
Classification: Uncertain significance for PLXNA3-related condition. Last evaluated: 2024-08-29. Review status: no assertion criteria provided. Collection method: clinical testing. Allele origin: germline.
Comment: The PLXNA3 c.1645G>A variant is predicted to result in the amino acid substitution p.Val549Met. To our knowledge, this variant has not been reported in the literature. This variant is reported in 0.0078% of alleles in individuals of African descent in gnomAD. At this time, the clinical significance of this variant is uncertain due to the absence of conclusive functional and genetic evidence.

NM_017514.5(PLXNA3):c.1645G>A (p.Val549Met)

Gene: PLXNA3 (plexin A3; plus strand). Cytogenetic location: Xq28.
Variant type: single nucleotide variant.
Coding change: c.1645G>A on transcript NM_017514.5 (MANE Select); coding-DNA position 1645, G replaced by A.
Protein change: p.Val549Met; replaces valine 549 with methionine.
Molecular consequence: missense variant.
Genome position (GRCh38, 1-based): chrX:154,464,048, G>A. VCF-style: chrX-154464048-G-A. GRCh37 (hg19) VCF-style: chrX-153692391-G-A.
Other names: short protein forms V549M.
Identifiers: ClinVar variation 3355107 (VCV003355107.1).